The following is an entry in ClinVar:

NM_000255.4(MMUT):c.1880A>G (p.His627Arg)

Gene: MMUT (methylmalonyl-CoA mutase; minus strand). Cytogenetic location: 6p12.3.
Variant type: single nucleotide variant.
Coding change: c.1880A>G on transcript NM_000255.4 (MANE Select); coding-DNA position 1880, A replaced by G.
Protein change: p.His627Arg; replaces histidine 627 with arginine.
Molecular consequence: missense variant.
Genome position (GRCh38, 1-based): chr6:49,440,282, T>C on the plus strand (A>G on the coding strand, the complement: MMUT is on the minus strand). VCF-style: chr6-49440282-T-C. GRCh37 (hg19) VCF-style: chr6-49407995-T-C.
Other names: short protein forms H627R.
Identifiers: ClinVar variation 551830 (VCV000551830.14), dbSNP rs372486357, ClinGen allele CA3846719.

ClinVar aggregate classification (germline): Pathogenic/Likely pathogenic. Review status: criteria provided, multiple submitters, no conflicts (2 of 4 stars). 5 submissions from 5 submitters: Pathogenic (3); Likely pathogenic (1). 1 of the submissions does not count toward it. Last evaluated 2025-10-24.

Conditions:
Methylmalonic aciduria due to complete methylmalonyl-CoA mutase deficiency.
Methylmalonic aciduria due to methylmalonyl-CoA mutase deficiency (MAMM). Also called: Methylmalonic aciduria, mut type. Identifiers: Orphanet 27, MedGen C1855114, MONDO:0009612, OMIM 251000.

Allele frequency attached by ClinVar (database versions not stated): gnomAD exomes 0.00001; ExAC 0.00002; gnomAD 0.00002; TOPMed 0.00002; ESP Exome Variant Server 0.00008.
gnomAD v4.1: 14 of 1,614,010 alleles (0.00087%); highest among the groups gnomAD compares: Non-Finnish European, 0.001%; no homozygotes.

Submissions (5):

Labcorp Genetics (formerly Invitae), Labcorp
Classification: Pathogenic. Last evaluated: 2025-10-24. Review status: criteria provided, single submitter. Criteria: Invitae Variant Classification Sherloc (09022015). Collection method: clinical testing. Allele origin: germline.
Comment: This sequence change replaces histidine, which is basic and polar, with arginine, which is basic and polar, at codon 627 of the MUT protein (p.His627Arg). This variant is present in population databases (rs372486357, gnomAD 0.003%). This missense change has been observed in individual(s) with clinical features of methylmalonic aciduria (PMID: 10923046, 15643616, 23430940, 26454439). ClinVar contains an entry for this variant (Variation ID: 551830). Invitae Evidence Modeling of protein sequence and biophysical properties (such as structural, functional, and spatial information, amino acid conservation, physicochemical variation, residue mobility, and thermodynamic stability) indicates that this missense variant is expected to disrupt MUT protein function with a positive predictive value of 95%. For these reasons, this variant has been classified as Pathogenic.

Natera, Inc.
Classification: Pathogenic for Methylmalonic aciduria due to complete methylmalonyl-CoA mutase deficiency. Last evaluated: 2024-10-22. Review status: criteria provided, single submitter. Criteria: Natera Variant Classification Schema (03/2026). Collection method: clinical testing. Allele origin: germline.
Comment: The c.1880A>G variant in MMUT is a missense variant predicted to cause substitution of histidine to arginine at amino acid 627. This variant is rare in the general population with a frequency below the threshold expected for the associated phenotype(s). This variant has been observed in one or more individuals affected with the associated recessive disease, as either homozygous or compound heterozygous with a second variant (PMID: 38128819, 36717752, 35361390, 34668645). Computational prediction algorithms indicate this variant is likely to affect gene or protein function. Given the available evidence, this variant is classified as Pathogenic.

Fulgent Genetics
Classification: Likely pathogenic for Methylmalonic aciduria due to methylmalonyl-CoA mutase deficiency. Last evaluated: 2022-01-27. Review status: criteria provided, single submitter. Criteria: ACMG Guidelines, 2015. Collection method: clinical testing. Allele origin: unknown.

Juno Genomics, Hangzhou Juno Genomics, Inc
Classification: Pathogenic for Methylmalonic aciduria due to methylmalonyl-CoA mutase deficiency. Review status: criteria provided, single submitter. Criteria: ACMG Guidelines, 2015. Collection method: clinical testing. Allele origin: germline.
Comment: Absent from controls (or at extremely low frequency if recessive) in Genome Aggregation Database.;For recessive disorders, detected in trans with a pathogenic variant.;Patient's phenotype or family history is highly specific for a disease with a single genetic etiology.;Multiple lines of computational evidence support a deleterious effect on the gene or gene product.

Counsyl
Classification: Likely pathogenic for Methylmalonic aciduria due to methylmalonyl-CoA mutase deficiency. Last evaluated: 2017-05-16. Review status: no assertion criteria provided. Collection method: clinical testing. Allele origin: unknown. Not counted in ClinVar's aggregate classification.

Literature cited by the submitters: PubMed 10923046 (cited by Labcorp Genetics (formerly Invitae), Labcorp and Counsyl); PubMed 15643616 (cited by Labcorp Genetics (formerly Invitae), Labcorp and Counsyl); PubMed 23430940 (cited by Labcorp Genetics (formerly Invitae), Labcorp and Counsyl); PubMed 26454439 (cited by Labcorp Genetics (formerly Invitae), Labcorp and Counsyl); PubMed 38128819 (cited by Natera, Inc.); PubMed 36717752 (cited by Natera, Inc.); PubMed 35361390 (cited by Natera, Inc.); PubMed 34668645 (cited by Natera, Inc.); PubMed 25299208 (cited by Counsyl).